The following is an entry in ClinVar:

NM_201548.5(CERKL):c.1490G>A (p.Trp497Ter)

Gene: CERKL (CERK like autophagy regulator; minus strand). Cytogenetic location: 2q31.3.
Variant type: single nucleotide variant.
Coding change: c.1490G>A on transcript NM_201548.5 (MANE Select); coding-DNA position 1490, G replaced by A.
Protein change: p.Trp497Ter; replaces tryptophan 497 with a stop codon.
Molecular consequence: nonsense. On other transcripts: non-coding transcript variant (2).
Genome position (GRCh38, 1-based): chr2:181,539,140, C>T on the plus strand (G>A on the coding strand, the complement: CERKL is on the minus strand). VCF-style: chr2-181539140-C-T. GRCh37 (hg19) VCF-style: chr2-182403867-C-T.
Other names: c.1568G>A, p.Trp523Ter (NM_001030311.3); c.1151G>A, p.Trp384Ter (NM_001030312.3); c.1283G>A, p.Trp428Ter (NM_001030313.3); c.*772G>A (NM_001030314.1, NM_001030315.1); c.1436G>A, p.Trp479Ter (NM_001160277.2); short protein forms W497*, W384*, W428*, W523*, W479*.
Identifiers: ClinVar variation 2098187 (VCV002098187.4), dbSNP rs1294330944, ClinGen allele CA349733131.

ClinVar aggregate classification (germline): Pathogenic (1 of 4 stars; one submission).

Submission:

Labcorp Genetics (formerly Invitae), Labcorp
Classification: Pathogenic. Last evaluated: 2023-10-23. Review status: criteria provided, single submitter. Criteria: Invitae Variant Classification Sherloc (09022015). Collection method: clinical testing. Allele origin: germline.
Comment: This sequence change creates a premature translational stop signal (p.Trp523*) in the CERKL gene. It is expected to result in an absent or disrupted protein product. Loss-of-function variants in CERKL are known to be pathogenic (PMID: 14681825, 23591405, 24043777). This variant is present in population databases (no rsID available, gnomAD 0.006%). This premature translational stop signal has been observed in individual(s) with cone-rod dystrophy (PMID: 33090715). ClinVar contains an entry for this variant (Variation ID: 2098187). For these reasons, this variant has been classified as Pathogenic.

Literature cited by the submitters: PubMed 14681825; PubMed 23591405; PubMed 24043777; PubMed 33090715.